The following is an entry in ClinVar:

ClinVar aggregate classification (germline): Conflicting classifications of pathogenicity. Review status: criteria provided, conflicting classifications (1 of 4 stars). 9 submissions from 9 submitters: Likely pathogenic (1); Uncertain significance (6); Benign (1); Likely benign (1). Last evaluated 2026-01-14.

Conditions:
Familial ovarian cancer. Identifiers: MedGen C5679802, MONDO:0016248.
Breast-ovarian cancer, familial, susceptibility to, 3. Also called: RAD51C-Related Breast/Ovarian Cancer. Identifiers: Orphanet 145, MedGen C3150659, MONDO:0013253, OMIM 613399.
Fanconi anemia complementation group O. Also called: RAD51C-Related Fanconi Anemia. Identifiers: Orphanet 84, MedGen C3150653, MONDO:0013248, OMIM 613390.
Hereditary cancer-predisposing syndrome. Also called: Tumor predisposition; Neoplastic Syndromes, Hereditary; Hereditary neoplastic syndrome; Hereditary Cancer Syndrome. Identifiers: Orphanet 140162, MedGen C0027672, MeSH D009386, MONDO:0015356.
Premature ovarian insufficiency (POF). Also called: Premature ovarian failure. Identifiers: MedGen C4303540, HP:0008209.

Allele frequency attached by ClinVar (database versions not stated): gnomAD exomes below 0.00001 and 0.00002; gnomAD 0.00003; TOPMed 0.00001.
gnomAD v4.1: 34 of 1,613,526 alleles (0.0021%); highest among the groups gnomAD compares: Non-Finnish European, 0.0029%; no homozygotes.

Submissions (9):

Labcorp Genetics (formerly Invitae), Labcorp
Classification: Uncertain significance for Fanconi anemia complementation group O. Last evaluated: 2026-01-14. Review status: criteria provided, single submitter. Criteria: Invitae Variant Classification Sherloc (09022015). Collection method: clinical testing. Allele origin: germline.
Comment: This sequence change replaces serine, which is neutral and polar, with glycine, which is neutral and non-polar, at codon 364 of the RAD51C protein (p.Ser364Gly). This variant is present in population databases (rs587782565, gnomAD 0.002%). This missense change has been observed in individual(s) with breast cancer (PMID: 22476429, 26261251). ClinVar contains an entry for this variant (Variation ID: 142585). An algorithm developed to predict the effect of missense changes on protein structure and function (PolyPhen-2) suggests that this variant is likely to be tolerated. Experimental studies have shown that this missense change does not substantially affect RAD51C function (PMID: 37253112). In summary, the available evidence is currently insufficient to determine the role of this variant in disease. Therefore, it has been classified as a Variant of Uncertain Significance.

Molecular Diagnostics Laboratory, Catalan Institute of Oncology
Classification: Likely benign for Hereditary cancer-predisposing syndrome. Last evaluated: 2025-04-15. Review status: criteria provided, single submitter. Criteria: ACMG Guidelines, 2015. Collection method: clinical testing. Allele origin: germline.
Comment: PM2_Supporting, BS3_Supporting, BP4_Moderate c.1090A>G, located in exon 9 of the RAD51C gene, is predicted to result in the substitution of Serine by Glycine at codon 364, p.(Ser364Gly). This variant is found in 2/267226 alleles at a frequency of 0.0007% in the gnomAD v2.1.1 database, non-cancer dataset (PM2_Supporting). The SpliceAI algorithm predicts no significant impact on splicing. The REVEL meta-predictor score for this variant (0,118) suggests that it does not affect the protein function according Pejaver 2022 thresholds (PMID: 36413997) (BP4_Moderate). A homology-directed repair (HDR) assay in reconstituted RAD51C-/- CL-V4B cells showed that c.1090A>G; p.(Ser364Gly) variant retains high levels of RAD51C protein activitiy (PMID: 37253112)(BS3_Supporting). The c.1090A>G variant has been identified in a proband from a cohort of 146 high-risk breast cancer families (PMID: 22476429). Additionally, it has been found in germline control DNA from a case-control study including 3,429 patients with invasive epithelial ovarian cancer, 2,772 controls, and 2,000 unaffected women who were BRCA1/BRCA2-negative (PMID: 26261251). This variant has been reported in the ClinVar database (6x uncertain significance, 1x likely pathogenic) and in the LOVD database (2x NA, 1x uncertain significance). At present ClinVar does not describe pathogenic or likely pathogenic missense variants in this codon. Based on the currently available information, c.1090A>G is classified as likely benign according to ACMG guidelines.

Ambry Genetics
Classification: Benign for Hereditary cancer-predisposing syndrome. Last evaluated: 2025-03-05. Review status: criteria provided, single submitter. Criteria: Ambry Variant Classification Scheme 2023. Collection method: clinical testing. Allele origin: germline.

GeneDx
Classification: Uncertain significance. Last evaluated: 2024-06-10. Review status: criteria provided, single submitter. Criteria: GeneDx Variant Classification Process June 2021. Collection method: clinical testing. Allele origin: germline. Affected: yes.
Comment: Not observed at significant frequency in large population cohorts (gnomAD); In silico analysis indicates that this missense variant does not alter protein structure/function; Observed in an individual with a personal history of breast cancer and a family history of breast and/or ovarian cancer (PMID: 22476429); Published functional studies demonstrate normal in vitro homology-directed repair (HDR) activity (PMID: 37253112); This variant is associated with the following publications: (PMID: 34480478, 26261251, 25470109, 26406419, 23117857, 34923718, 14704354, 22476429, 37253112)

Color Diagnostics, LLC DBA Color Health
Classification: Uncertain significance for Hereditary cancer-predisposing syndrome. Last evaluated: 2024-05-08. Review status: criteria provided, single submitter. Criteria: ACMG Guidelines, 2015. Collection method: clinical testing. Allele origin: germline.
Comment: This missense variant replaces serine with glycine at codon 364 of the RAD51C protein. Computational prediction suggests that this variant may not impact protein structure and function . To our knowledge, functional studies have not been performed for this variant. This variant has been reported in a breast cancer case-control meta-analysis in 1/60466 cases and 1/53461 unaffected individuals (PMID: 33471991; Leiden Open Variation Database DB-ID RAD51C_000228), and in an ovarian cancer case-control study in 1/2772 unaffected individuals and absent in 3429 cases (PMID: 26261251). This variant has been identified in 2/281650 chromosomes in the general population by the Genome Aggregation Database (gnomAD). The available evidence is insufficient to determine the role of this variant in disease conclusively. Therefore, this variant is classified as a Variant of Uncertain Significance.

Fulgent Genetics
Classification: Uncertain significance for Fanconi anemia complementation group O; Breast-ovarian cancer, familial, susceptibility to, 3. Last evaluated: 2024-03-28. Review status: criteria provided, single submitter. Criteria: ACMG Guidelines, 2015. Collection method: clinical testing. Allele origin: germline.

Molecular Pathology, Peter Maccallum Cancer Centre
Classification: Uncertain significance for Familial ovarian cancer. Last evaluated: 2024-02-15. Review status: criteria provided, single submitter. Criteria: ACMG Guidelines, 2015. Collection method: clinical testing. Allele origin: germline. Inheritance: Autosomal dominant inheritance.

Baylor Genetics
Classification: Uncertain significance for Breast-ovarian cancer, familial, susceptibility to, 3. Last evaluated: 2023-08-30. Review status: criteria provided, single submitter. Criteria: ACMG Guidelines, 2015. Collection method: clinical testing. Allele origin: unknown.

Medical Cytogenetics and Molecular Genetics Laboratory, IRCCS Istituto Auxologico Italiano
Classification: Likely pathogenic for Premature ovarian failure. Last evaluated: 2020-03-02. Review status: criteria provided, single submitter. Criteria: ACMG Guidelines, 2015. Collection method: research. Allele origin: germline. Affected: yes. Observed: 1 variant allele.

Literature cited by the submitters: PubMed 22476429 (cited by 3 submitters); PubMed 26261251 (cited by 3 submitters); PubMed 37253112 (cited by Labcorp Genetics (formerly Invitae), Labcorp and Ambry Genetics); PubMed 23117857 (cited by Ambry Genetics); PubMed 33471991 (cited by Color Diagnostics, LLC DBA Color Health).

NM_058216.3(RAD51C):c.1090A>G (p.Ser364Gly)

Gene: RAD51C (RAD51 paralog C; plus strand). Cytogenetic location: 17q22.
Variant type: single nucleotide variant.
Coding change: c.1090A>G on transcript NM_058216.3 (MANE Select); coding-DNA position 1090, A replaced by G.
Protein change: p.Ser364Gly; replaces serine 364 with glycine.
Molecular consequence: missense variant. On other transcripts: non-coding transcript variant (1).
Genome position (GRCh38, 1-based): chr17:58,734,181, A>G. VCF-style: chr17-58734181-A-G. GRCh37 (hg19) VCF-style: chr17-56811542-A-G.
Other names: short protein forms S364G.
Identifiers: ClinVar variation 142585 (VCV000142585.34), dbSNP rs587782565, ClinGen allele CA168757.